The following is an entry in ClinVar:

ClinVar aggregate classification (germline): Likely benign. Review status: criteria provided, multiple submitters, no conflicts (2 of 4 stars). 2 submissions from 2 submitters: Likely benign (2). Last evaluated 2025-11-25.

Conditions:
Oligodontia-cancer predisposition syndrome. Also called: TOOTH AGENESIS-COLORECTAL CANCER SYNDROME. Identifiers: Orphanet 300576, MedGen C1837750, MONDO:0012075, OMIM 608615. Disease mechanism: loss of function.

Allele frequency attached by ClinVar (database versions not stated): gnomAD exomes below 0.00001 and 0.00001; ExAC 0.00001.
gnomAD v4.1: 2 of 1,601,212 alleles (0.00012%); highest among the groups gnomAD compares: Non-Finnish European, 0.00017%; no homozygotes.

Submissions (2):

Labcorp Genetics (formerly Invitae), Labcorp
Classification: Likely benign for Oligodontia-cancer predisposition syndrome. Last evaluated: 2025-11-25. Review status: criteria provided, single submitter. Criteria: Invitae Variant Classification Sherloc (09022015). Collection method: clinical testing. Allele origin: germline.

Myriad Genetics, Inc.
Classification: Likely benign for Oligodontia-cancer predisposition syndrome. Last evaluated: 2024-07-08. Review status: criteria provided, single submitter. Criteria: Myriad Autosomal Dominant, Autosomal Recessive and X-Linked Classification Criteria (2023). Collection method: clinical testing. Allele origin: unknown.
Comment: This variant is considered likely benign. This variant is intronic and is not expected to impact mRNA splicing.

NM_004655.4(AXIN2):c.1713-6C>T

Gene: AXIN2 (axin 2; minus strand). Cytogenetic location: 17q24.1.
Variant type: single nucleotide variant.
Coding change: c.1713-6C>T on transcript NM_004655.4 (MANE Select); 6 bases into the intron before coding-DNA position 1713, C replaced by T.
Molecular consequence: intron variant.
Genome position (GRCh38, 1-based): chr17:65,537,069, G>A on the plus strand (C>T on the coding strand, the complement: AXIN2 is on the minus strand). VCF-style: chr17-65537069-G-A. GRCh37 (hg19) VCF-style: chr17-63533187-G-A.
Other names: c.1712+255C>T (NM_001363813.1).
Identifiers: ClinVar variation 851944 (VCV000851944.10), dbSNP rs754817135, ClinGen allele CA8718548.